The following is an entry in ClinVar:

NM_004064.5(CDKN1B):c.482C>T (p.Ser161Phe)

Gene: CDKN1B (cyclin dependent kinase inhibitor 1B; plus strand). Cytogenetic location: 12p13.1.
Variant type: single nucleotide variant.
Coding change: c.482C>T on transcript NM_004064.5 (MANE Select); coding-DNA position 482, C replaced by T.
Protein change: p.Ser161Phe; replaces serine 161 with phenylalanine.
Molecular consequence: missense variant.
Genome position (GRCh38, 1-based): chr12:12,718,831, C>T. VCF-style: chr12-12718831-C-T. GRCh37 (hg19) VCF-style: chr12-12871765-C-T.
Other names: short protein forms S161F.
Identifiers: ClinVar variation 582241 (VCV000582241.16), dbSNP rs373917399, ClinGen allele CA6457548.

ClinVar aggregate classification (germline): Conflicting classifications of pathogenicity. Review status: criteria provided, conflicting classifications (1 of 4 stars). 7 submissions from 7 submitters: Uncertain significance (6); Likely benign (1). Last evaluated 2026-05-11.

Conditions:
Multiple endocrine neoplasia type 4. Also called: MULTIPLE ENDOCRINE NEOPLASIA, TYPE IV. Identifiers: Orphanet 276152, MedGen C1970712, MONDO:0012552, OMIM 610755.
CDKN1B-related disorder. Also called: CDKN1B-related condition.
Hereditary cancer-predisposing syndrome. Also called: Neoplastic Syndromes, Hereditary; Tumor predisposition; Hereditary Cancer Syndrome; Hereditary neoplastic syndrome. Identifiers: Orphanet 140162, MedGen C0027672, MeSH D009386, MONDO:0015356.

Submissions (7):

PreventionGenetics, part of Exact Sciences
Classification: Uncertain significance for CDKN1B-related condition. Last evaluated: 2026-05-11. Review status: criteria provided, single submitter. Criteria: ACMG Guidelines, 2015. Collection method: clinical testing. Allele origin: germline.
Comment: The CDKN1B c.482C>T variant is predicted to result in the amino acid substitution p.Ser161Phe. To our knowledge, this variant has not been reported in the literature. This variant is reported in 0.020% of alleles in individuals of Latino descent in gnomAD. This variant has conflicting interpretations in ClinVar ranging from likely benign to uncertain significance (Variation ID: 582241 ). At this time, the clinical significance of this variant is uncertain due to the absence of conclusive functional and genetic evidence.

Labcorp Genetics (formerly Invitae), Labcorp
Classification: Uncertain significance for Multiple endocrine neoplasia type 4. Last evaluated: 2025-04-21. Review status: criteria provided, single submitter. Criteria: Invitae Variant Classification Sherloc (09022015). Collection method: clinical testing. Allele origin: germline.
Comment: This sequence change replaces serine, which is neutral and polar, with phenylalanine, which is neutral and non-polar, at codon 161 of the CDKN1B protein (p.Ser161Phe). This variant is present in population databases (rs373917399, gnomAD 0.02%). This variant has not been reported in the literature in individuals affected with CDKN1B-related conditions. ClinVar contains an entry for this variant (Variation ID: 582241). An algorithm developed to predict the effect of missense changes on protein structure and function (PolyPhen-2) suggests that this variant is likely to be tolerated. In summary, the available evidence is currently insufficient to determine the role of this variant in disease. Therefore, it has been classified as a Variant of Uncertain Significance.

Baylor Genetics
Classification: Uncertain significance for Multiple endocrine neoplasia type 4. Last evaluated: 2024-02-25. Review status: criteria provided, single submitter. Criteria: ACMG Guidelines, 2015. Collection method: clinical testing. Allele origin: unknown.

Fulgent Genetics
Classification: Uncertain significance for Multiple endocrine neoplasia type 4. Last evaluated: 2024-01-22. Review status: criteria provided, single submitter. Criteria: ACMG Guidelines, 2015. Collection method: clinical testing. Allele origin: germline.

GeneDx
Classification: Uncertain significance. Last evaluated: 2023-12-14. Review status: criteria provided, single submitter. Criteria: GeneDx Variant Classification Process June 2021. Collection method: clinical testing. Allele origin: germline. Affected: yes.
Comment: In silico analysis supports that this missense variant has a deleterious effect on protein structure/function; Has not been previously published as pathogenic or benign to our knowledge

Ambry Genetics
Classification: Likely benign for Hereditary cancer-predisposing syndrome. Last evaluated: 2022-11-23. Review status: criteria provided, single submitter. Criteria: Ambry Variant Classification Scheme 2023. Collection method: clinical testing. Allele origin: germline.

Quest Diagnostics Nichols Institute San Juan Capistrano
Classification: Uncertain significance. Last evaluated: 2022-05-26. Review status: criteria provided, single submitter. Criteria: Quest Diagnostics criteria. Collection method: clinical testing. Allele origin: unknown.
Comment: To the best of our knowledge, the variant has not been reported in the published literature. The frequency of this variant in the general population, 0.0002 (7/34564 chromosomes in Latino/Admixed American subpopulation), is higher than would generally be expected for pathogenic variants in this gene. Analysis of this variant using a bioinformatics tool for the prediction of the effect of amino acid changes on protein structure and function yielded a prediction that this variant is benign. Based on the available information, we are unable to determine the clinical significance of this variant.